The following is an entry in ClinVar:

ClinVar aggregate classification (germline): Uncertain significance (1 of 4 stars; one submission).

Allele frequency attached by ClinVar (database versions not stated): gnomAD exomes below 0.00001 and 0.00001; ExAC 0.00002; gnomAD 0.00004 and 0.00005.
gnomAD v4.1: 19 of 1,613,002 alleles (0.0012%); highest among the groups gnomAD compares: East Asian, 0.0045%; no homozygotes.

Submission:

Labcorp Genetics (formerly Invitae), Labcorp
Classification: Uncertain significance. Last evaluated: 2022-12-19. Review status: criteria provided, single submitter. Criteria: Invitae Variant Classification Sherloc (09022015). Collection method: clinical testing. Allele origin: germline.
Comment: Algorithms developed to predict the effect of missense changes on protein structure and function output the following: SIFT: "Not Available"; PolyPhen-2: "Not Available"; Align-GVGD: "Not Available". The lysine amino acid residue is found in multiple mammalian species, which suggests that this missense change does not adversely affect protein function. In summary, the available evidence is currently insufficient to determine the role of this variant in disease. Therefore, it has been classified as a Variant of Uncertain Significance. Algorithms developed to predict the effect of sequence changes on RNA splicing suggest that this variant is not likely to affect RNA splicing. ClinVar contains an entry for this variant (Variation ID: 1481687). This variant has not been reported in the literature in individuals affected with COL18A1-related conditions. This variant is present in population databases (rs750868738, gnomAD 0.01%). This sequence change replaces glutamic acid, which is acidic and polar, with lysine, which is basic and polar, at codon 113 of the COL18A1 protein (p.Glu113Lys). The COL18A1 gene has multiple clinically relevant transcripts. This variant occurs in alternate transcript NM_030582.4, and corresponds to NM_130445.2:c.107-12375G>A in the primary transcript.

NM_001379500.1(COL18A1):c.107-12375G>A

Gene: COL18A1 (collagen type XVIII alpha 1 chain; plus strand). Cytogenetic location: 21q22.3.
Variant type: single nucleotide variant.
Coding change: c.107-12375G>A on transcript NM_001379500.1 (MANE Select); 12375 bases into the intron before coding-DNA position 107, G replaced by A.
Molecular consequence: intron variant. On other transcripts: missense variant (2).
Genome position (GRCh38, 1-based): chr21:45,455,867, G>A. VCF-style: chr21-45455867-G-A. GRCh37 (hg19) VCF-style: chr21-46875781-G-A.
Other names: c.337G>A, p.Glu113Lys (NM_030582.4, NM_130444.3); short protein forms E113K.
Identifiers: ClinVar variation 1481687 (VCV001481687.7), dbSNP rs750868738, ClinGen allele CA10065446.